The following is an entry in ClinVar:

NM_000540.2(RYR1):c.7835+19_7835+20ins17

Gene: RYR1 (ryanodine receptor 1; plus strand). Cytogenetic location: 19q13.2.
Variant type: Insertion.
Coding change: c.7835+19_7835+20ins17 on transcript NM_000540.2; bases 19 to 20 of the intron after coding-DNA position 7835, an insertion.
Identifiers: ClinVar variation 509627 (VCV000509627.1).

ClinVar aggregate classification (germline): Likely benign (1 of 4 stars; one submission).

Submission:

GeneDx
Classification: Likely benign. Last evaluated: 2017-05-12. Review status: criteria provided, single submitter. Criteria: GeneDx Variant Classification (06012015). Collection method: clinical testing. Allele origin: germline. Affected: yes.
Comment: This variant is considered likely benign or benign based on one or more of the following criteria: it is a conservative change, it occurs at a poorly conserved position in the protein, it is predicted to be benign by multiple in silico algorithms, and/or has population frequency not consistent with disease.